The following is an entry in ClinVar:

NM_016122.3(CEP83):c.1532G>T (p.Arg511Leu)

Gene: CEP83 (centrosomal protein 83; minus strand). Cytogenetic location: 12q22.
Variant type: single nucleotide variant.
Coding change: c.1532G>T on transcript NM_016122.3 (MANE Select); coding-DNA position 1532, G replaced by T.
Protein change: p.Arg511Leu; replaces arginine 511 with leucine.
Molecular consequence: missense variant. On other transcripts: non-coding transcript variant (2).
Genome position (GRCh38, 1-based): chr12:94,333,527, C>A on the plus strand (G>T on the coding strand, the complement: CEP83 is on the minus strand). VCF-style: chr12-94333527-C-A. GRCh37 (hg19) VCF-style: chr12-94727303-C-A.
Other names: c.1532G>T, p.Arg511Leu (NM_001042399.2, NM_001346457.2, NM_001368037.1 and 1 more transcripts); c.1220G>T, p.Arg407Leu (NM_001346458.2, NM_001346459.2, NM_001368039.1 and 1 more transcripts); c.1307G>T, p.Arg436Leu (NM_001368041.1); short protein forms R407L, R511L, R436L.
Identifiers: ClinVar variation 1389963 (VCV001389963.6), dbSNP rs587777487, ClinGen allele CA386144111.

ClinVar aggregate classification (germline): Uncertain significance (1 of 4 stars; one submission).

Conditions:
Nephronophthisis 18 (NPHP18). Identifiers: Orphanet 655, MedGen C3890591, MONDO:0014374, OMIM 615862.

Submission:

Labcorp Genetics (formerly Invitae), Labcorp
Classification: Uncertain significance for Nephronophthisis 18. Last evaluated: 2024-11-05. Review status: criteria provided, single submitter. Criteria: Invitae Variant Classification Sherloc (09022015). Collection method: clinical testing. Allele origin: germline.
Comment: This sequence change replaces arginine, which is basic and polar, with leucine, which is neutral and non-polar, at codon 511 of the CEP83 protein (p.Arg511Leu). This variant is not present in population databases (gnomAD no frequency). This variant has not been reported in the literature in individuals affected with CEP83-related conditions. ClinVar contains an entry for this variant (Variation ID: 1389963). Invitae Evidence Modeling of protein sequence and biophysical properties (such as structural, functional, and spatial information, amino acid conservation, physicochemical variation, residue mobility, and thermodynamic stability) has been performed for this missense variant. However, the output from this modeling did not meet the statistical confidence thresholds required to predict the impact of this variant on CEP83 protein function. This variant disrupts the p.Arg511 amino acid residue in CEP83. Other variant(s) that disrupt this residue have been determined to be pathogenic (PMID: 24882706). This suggests that this residue is clinically significant, and that variants that disrupt this residue are likely to be disease-causing. In summary, the available evidence is currently insufficient to determine the role of this variant in disease. Therefore, it has been classified as a Variant of Uncertain Significance.

Literature cited by the submitters: PubMed 24882706.